The following is an entry in ClinVar:

ClinVar aggregate classification (germline): Uncertain significance (1 of 4 stars; one submission).

Submission:

Labcorp Genetics (formerly Invitae), Labcorp
Classification: Uncertain significance. Last evaluated: 2022-02-18. Review status: criteria provided, single submitter. Criteria: Invitae Variant Classification Sherloc (09022015). Collection method: clinical testing. Allele origin: germline.
Comment: This sequence change creates a premature translational stop signal (p.His370Profs*2) in the RASA2 gene. It is expected to result in an absent or disrupted protein product. However, the current clinical and genetic evidence is not sufficient to establish whether loss-of-function variants in RASA2 cause disease. This variant is not present in population databases (gnomAD no frequency). This variant has not been reported in the literature in individuals affected with RASA2-related conditions. In summary, the available evidence is currently insufficient to determine the role of this variant in disease. Therefore, it has been classified as a Variant of Uncertain Significance.

NM_006506.5(RASA2):c.1109_1110del (p.His370fs)

Gene: RASA2 (RAS p21 protein activator 2; plus strand). Cytogenetic location: 3q23.
Variant type: Deletion.
Coding change: c.1109_1110del on transcript NM_006506.5 (MANE Select); coding-DNA positions 1109 to 1110, 2 bases deleted (AC; older notation c.1109_1110delAC).
Protein change: p.His370fs; shifts the reading frame from histidine 370.
Molecular consequence: frameshift variant.
Genome position (GRCh38, 1-based): chr3:141,571,494-141,571,495, AC deleted; deleting any 2 consecutive bases within chr3:141,571,493-141,571,495 gives the same sequence; the c. name uses the placement nearest the transcript's 3' end. VCF-style (leftmost placement, unchanged base first): chr3-141571492-GCA-G. GRCh37 (hg19) VCF-style: chr3-141290334-GCA-G.
Other names: c.1109_1110del, p.His370fs (NM_001303245.3, NM_001303246.3); short protein forms H370fs.
Identifiers: ClinVar variation 2152512 (VCV002152512.4), dbSNP rs867583257, ClinGen allele CA84646368.